The following is an entry in ClinVar:

ClinVar aggregate classification (germline): Uncertain significance (1 of 4 stars; one submission).

Allele frequency attached by ClinVar (database versions not stated): gnomAD exomes 0.00001.
gnomAD v4.1: 13 of 1,464,228 alleles (0.00089%); highest among the groups gnomAD compares: Non-Finnish European, 0.00083%; no homozygotes.

Submission:

Labcorp Genetics (formerly Invitae), Labcorp
Classification: Uncertain significance. Last evaluated: 2022-03-01. Review status: criteria provided, single submitter. Criteria: Invitae Variant Classification Sherloc (09022015). Collection method: clinical testing. Allele origin: germline.
Comment: This sequence change falls in intron 28 of the EYS gene. It does not directly change the encoded amino acid sequence of the EYS protein. It affects a nucleotide within the consensus splice site. This variant is not present in population databases (gnomAD no frequency). This variant has not been reported in the literature in individuals affected with EYS-related conditions. Variants that disrupt the consensus splice site are a relatively common cause of aberrant splicing (PMID: 17576681, 9536098). Algorithms developed to predict the effect of sequence changes on RNA splicing suggest that this variant may disrupt the consensus splice site. In summary, the available evidence is currently insufficient to determine the role of this variant in disease. Therefore, it has been classified as a Variant of Uncertain Significance.

Literature cited by the submitters: PubMed 17576681; PubMed 9536098.

NM_001142800.2(EYS):c.5927+5G>C

Gene: EYS (eyes shut homolog; minus strand). Cytogenetic location: 6q12.
Variant type: single nucleotide variant.
Coding change: c.5927+5G>C on transcript NM_001142800.2 (MANE Select); 5 bases into the intron after coding-DNA position 5927, G replaced by C.
Molecular consequence: intron variant.
Genome position (GRCh38, 1-based): chr6:64,436,169, C>G on the plus strand (G>C on the coding strand, the complement: EYS is on the minus strand). VCF-style: chr6-64436169-C-G. GRCh37 (hg19) VCF-style: chr6-65146062-C-G.
Other names: c.5927+5G>C (NM_001292009.2).
Identifiers: ClinVar variation 2184681 (VCV002184681.1), dbSNP rs2533217464, ClinGen allele CA913111503.